The following is an entry in ClinVar:

NM_015335.5(MED13L):c.5809A>C (p.Ile1937Leu)

Gene: MED13L (mediator complex subunit 13L; minus strand). Cytogenetic location: 12q24.21.
Variant type: single nucleotide variant.
Coding change: c.5809A>C on transcript NM_015335.5 (MANE Select); coding-DNA position 5809, A replaced by C.
Protein change: p.Ile1937Leu; replaces isoleucine 1937 with leucine.
Molecular consequence: missense variant.
Genome position (GRCh38, 1-based): chr12:115,972,159, T>G on the plus strand (A>C on the coding strand, the complement: MED13L is on the minus strand). VCF-style: chr12-115972159-T-G. GRCh37 (hg19) VCF-style: chr12-116409964-T-G.
Other names: short protein forms I1937L.
Identifiers: ClinVar variation 798160 (VCV000798160.11), dbSNP rs143602183, ClinGen allele CA6810505.
Genomic context (GRCh38, chr12:115,972,159, plus strand): 5'-CCTGGGGCTCCATGGCAACCAGGCAGGCACTAAGGATAGAAGGAGAGTCTGCGGCAGAGA[T>G]TCCACACATCCGGCACACATCCTTGAGCTTTTTGCTGATTGTCTGTAGTGAACATTCTCC-3'
Protein context (NP_056150.1, residues 1927-1947): KLKDVCRMCG[Ile1937Leu]SAADSPSILS

ClinVar aggregate classification (germline): Benign/Likely benign. Review status: criteria provided, multiple submitters, no conflicts (2 of 4 stars). 3 submissions from 3 submitters: Benign (1); Likely benign (1). 1 of the submissions does not count toward it. Last evaluated 2025-10-26.

Conditions:
Dextro-looped transposition of the great arteries. Also called: Dextrotransposition of the great arteries. Identifiers: Orphanet 860, MedGen C3531771, MONDO:0019443, OMIM 608808, HP:0031348.
MED13L-related disorder. Also called: MED13L-related condition.

Allele frequency attached by ClinVar (database versions not stated): gnomAD exomes 0.00008; ExAC 0.00009; gnomAD 0.00038 and 0.00044; TOPMed 0.00043; ESP Exome Variant Server 0.00046.
gnomAD v4.1: 109 of 1,613,886 alleles (0.0068%); highest among the groups gnomAD compares: African/African-American, 0.13%; no homozygotes.

Submissions (3):

Labcorp Genetics (formerly Invitae), Labcorp
Classification: Likely benign for Dextro-looped transposition of the great arteries. Last evaluated: 2025-10-26. Review status: criteria provided, single submitter. Criteria: Invitae Variant Classification Sherloc (09022015). Collection method: clinical testing. Allele origin: germline.

GeneDx
Classification: Benign. Last evaluated: 2020-11-24. Review status: criteria provided, single submitter. Criteria: GeneDx Variant Classification Process June 2021. Collection method: clinical testing. Allele origin: germline. Affected: yes.

PreventionGenetics, part of Exact Sciences
Classification: Likely benign for MED13L-related condition. Last evaluated: 2024-01-12. Review status: no assertion criteria provided. Collection method: clinical testing. Allele origin: germline. Not counted in ClinVar's aggregate classification.
Comment: This variant is classified as likely benign based on ACMG/AMP sequence variant interpretation guidelines (Richards et al. 2015 PMID: 25741868, with internal and published modifications).